The following is an entry in ClinVar:

NM_024529.5(CDC73):c.1477G>T (p.Asp493Tyr)

Gene: CDC73 (cell division cycle 73; plus strand). Cytogenetic location: 1q31.2.
Variant type: single nucleotide variant.
Coding change: c.1477G>T on transcript NM_024529.5 (MANE Select); coding-DNA position 1477, G replaced by T.
Protein change: p.Asp493Tyr; replaces aspartic acid 493 with tyrosine.
Molecular consequence: missense variant.
Genome position (GRCh38, 1-based): chr1:193,249,789, G>T. VCF-style: chr1-193249789-G-T. GRCh37 (hg19) VCF-style: chr1-193218919-G-T.
Other names: short protein forms D493Y.
Identifiers: ClinVar variation 4537760 (VCV004537760.1).

ClinVar aggregate classification (germline): Uncertain significance (1 of 4 stars; one submission).

Submission:

GeneDx
Classification: Uncertain significance. Last evaluated: 2025-06-13. Review status: criteria provided, single submitter. Criteria: GeneDx Variant Classification Process June 2021. Collection method: clinical testing. Allele origin: germline. Affected: yes.
Comment: Not observed at significant frequency in large population cohorts (gnomAD); In silico analysis supports that this missense variant has a deleterious effect on protein structure/function and a deleterious effect on splicing; Has not been previously published as pathogenic or benign to our knowledge; This variant is associated with the following publications: (PMID: 15923622)